The following is an entry in ClinVar:

NM_052813.5(CARD9):c.1250A>T (p.Gln417Leu)

Gene: CARD9 (caspase recruitment domain family member 9; minus strand). Cytogenetic location: 9q34.3.
Variant type: single nucleotide variant.
Coding change: c.1250A>T on transcript NM_052813.5 (MANE Select); coding-DNA position 1250, A replaced by T.
Protein change: p.Gln417Leu; replaces glutamine 417 with leucine.
Molecular consequence: missense variant.
Genome position (GRCh38, 1-based): chr9:136,367,656, T>A on the plus strand (A>T on the coding strand, the complement: CARD9 is on the minus strand). VCF-style: chr9-136367656-T-A. GRCh37 (hg19) VCF-style: chr9-139262108-T-A.
Other names: c.1250A>T, p.Gln417Leu (NM_052814.4); short protein forms Q417L.
Identifiers: ClinVar variation 2188162 (VCV002188162.1), dbSNP rs761143967, ClinGen allele CA5332785.

ClinVar aggregate classification (germline): Uncertain significance (1 of 4 stars; one submission).

Conditions:
Predisposition to invasive fungal disease due to CARD9 deficiency (IMD103). Also called: CARD9 IMMUNODEFICIENCY; IMMUNODEFICIENCY 103, SUSCEPTIBILITY TO FUNGAL INFECTIONS; Candidiasis, familial, 2, autosomal recessive. Identifiers: Orphanet 457088, MedGen C1859353, MONDO:0008905, OMIM 212050.

Allele frequency attached by ClinVar (database versions not stated): gnomAD exomes 0.00001; ExAC 0.00002; gnomAD 0.00002; TOPMed 0.00002.

Submission:

Labcorp Genetics (formerly Invitae), Labcorp
Classification: Uncertain significance for Predisposition to invasive fungal disease due to CARD9 deficiency. Last evaluated: 2022-03-06. Review status: criteria provided, single submitter. Criteria: Invitae Variant Classification Sherloc (09022015). Collection method: clinical testing. Allele origin: germline.
Comment: This sequence change replaces glutamine, which is neutral and polar, with leucine, which is neutral and non-polar, at codon 417 of the CARD9 protein (p.Gln417Leu). This variant is present in population databases (rs761143967, gnomAD 0.003%). This variant has not been reported in the literature in individuals affected with CARD9-related conditions. Algorithms developed to predict the effect of missense changes on protein structure and function are either unavailable or do not agree on the potential impact of this missense change (SIFT: "Deleterious"; PolyPhen-2: "Benign"; Align-GVGD: "Class C0"). In summary, the available evidence is currently insufficient to determine the role of this variant in disease. Therefore, it has been classified as a Variant of Uncertain Significance.